The following is an entry in ClinVar:

NM_001003800.2(BICD2):c.1421A>G (p.Tyr474Cys)

Gene: BICD2 (BICD cargo adaptor 2; minus strand). Cytogenetic location: 9q22.31.
Variant type: single nucleotide variant.
Coding change: c.1421A>G on transcript NM_001003800.2 (MANE Select); coding-DNA position 1421, A replaced by G.
Protein change: p.Tyr474Cys; replaces tyrosine 474 with cysteine.
Molecular consequence: missense variant.
Genome position (GRCh38, 1-based): chr9:92,719,224, T>C on the plus strand (A>G on the coding strand, the complement: BICD2 is on the minus strand). VCF-style: chr9-92719224-T-C. GRCh37 (hg19) VCF-style: chr9-95481506-T-C.
Other names: c.1421A>G, p.Tyr474Cys (NM_015250.4); short protein forms Y474C.
Identifiers: ClinVar variation 388509 (VCV000388509.8), dbSNP rs1014182946, ClinGen allele CA16605541.

ClinVar aggregate classification (germline): Conflicting classifications of pathogenicity. Review status: criteria provided, conflicting classifications (1 of 4 stars). 3 submissions from 3 submitters: Uncertain significance (2); Benign (1). Last evaluated 2026-07-14.

Conditions:
BICD2-related disorder. Also called: BICD2-related condition.
Autosomal dominant childhood-onset proximal spinal muscular atrophy with contractures (SMALED2A). Also called: SPINAL MUSCULAR ATROPHY, LOWER EXTREMITY-PREDOMINANT, 2A, CHILDHOOD ONSET, AUTOSOMAL DOMINANT; Spinal muscular atrophy, lower extremity-predominant, 2A, autosomal dominant. Identifiers: Orphanet 363447, Orphanet 363454, MedGen C4747715, MONDO:0014121, OMIM 615290.

Allele frequency attached by ClinVar (database versions not stated): TOPMed below 0.00001; gnomAD 0.00004.

Submissions (3):

PreventionGenetics, part of Exact Sciences
Classification: Uncertain significance for BICD2-related condition. Last evaluated: 2026-07-14. Review status: criteria provided, single submitter. Criteria: ACMG Guidelines, 2015. Collection method: clinical testing. Allele origin: germline.
Comment: The BICD2 c.1421A>G variant is predicted to result in the amino acid substitution p.Tyr474Cys. To our knowledge, this variant has not been reported in the literature. This variant is reported in 0.035% of alleles in individuals of African descent in gnomAD. At this time, the clinical significance of this variant is uncertain due to the absence of conclusive functional and genetic evidence.

Labcorp Genetics (formerly Invitae), Labcorp
Classification: Benign for Autosomal dominant childhood-onset proximal spinal muscular atrophy with contractures. Last evaluated: 2022-11-22. Review status: criteria provided, single submitter. Criteria: Invitae Variant Classification Sherloc (09022015). Collection method: clinical testing. Allele origin: germline.

GeneDx
Classification: Uncertain significance. Last evaluated: 2016-08-15. Review status: criteria provided, single submitter. Criteria: GeneDx Variant Classification (06012015). Collection method: clinical testing. Allele origin: germline. Affected: yes.
Comment: The Y474C variant in the BICD2 gene has not been reported previously as a pathogenic variant, nor as a benign variant, to our knowledge. The Y474C variant was not observed in approximately 6500 individuals of European and African American ancestry in the NHLBI Exome Sequencing Project, indicating it is not a common benign variant in these populations. The Y474C variant is a non-conservative amino acid substitution, which is likely to impact secondary protein structure as these residues differ in polarity, charge, size and/or other properties. This substitution occurs at a position that is not conserved and in silico analysis predicts this variant likely does not alter the protein structure/function. Therefore, we interpret Y474C as a variant of uncertain significance.